The following is an entry in ClinVar:

ClinVar aggregate classification (germline): Uncertain significance (1 of 4 stars; one submission).

gnomAD v4.1: 5 of 1,614,090 alleles (0.00031%); highest among the groups gnomAD compares: Non-Finnish European, 0.00042%; no homozygotes.

Submission:

Labcorp Genetics (formerly Invitae), Labcorp
Classification: Uncertain significance. Last evaluated: 2024-06-04. Review status: criteria provided, single submitter. Criteria: Invitae Variant Classification Sherloc (09022015). Collection method: clinical testing. Allele origin: germline.
Comment: This sequence change replaces lysine, which is basic and polar, with glutamic acid, which is acidic and polar, at codon 630 of the COL10A1 protein (p.Lys630Glu). This variant is present in population databases (rs376133972, gnomAD 0.0009%). This variant has not been reported in the literature in individuals affected with COL10A1-related conditions. Advanced modeling of protein sequence and biophysical properties (such as structural, functional, and spatial information, amino acid conservation, physicochemical variation, residue mobility, and thermodynamic stability) performed at Invitae indicates that this missense variant is not expected to disrupt COL10A1 protein function with a negative predictive value of 80%. In summary, the available evidence is currently insufficient to determine the role of this variant in disease. Therefore, it has been classified as a Variant of Uncertain Significance.

NM_000493.4(COL10A1):c.1888A>G (p.Lys630Glu)

Genes: COL10A1 (collagen type X alpha 1 chain; minus strand), NT5DC1 (5'-nucleotidase domain containing 1; plus strand). Cytogenetic location: 6q22.1.
Variant type: single nucleotide variant.
Coding change: c.1888A>G on transcript NM_000493.4 (MANE Select); coding-DNA position 1888, A replaced by G.
Protein change: p.Lys630Glu; replaces lysine 630 with glutamic acid.
Molecular consequence: missense variant. On other transcripts: intron variant (1).
Genome position (GRCh38, 1-based): chr6:116,120,228, T>C on the plus strand (A>G on the coding strand, the complement: COL10A1 is on the minus strand). VCF-style: chr6-116120228-T-C. GRCh37 (hg19) VCF-style: chr6-116441391-T-C.
Other names: c.1888A>G, p.Lys630Glu (NM_001424106.1, NM_001424107.1); c.529+2283T>C (NM_152729.3); short protein forms K630E.
Identifiers: ClinVar variation 3604991 (VCV003604991.2).